The following is an entry in ClinVar:

ClinVar aggregate classification (germline): Uncertain significance (1 of 4 stars; one submission).

Conditions:
Hereditary cancer-predisposing syndrome. Also called: Neoplastic Syndromes, Hereditary; Tumor predisposition; Hereditary Cancer Syndrome; Hereditary neoplastic syndrome. Identifiers: Orphanet 140162, MedGen C0027672, MeSH D009386, MONDO:0015356.

Submission:

Ambry Genetics
Classification: Uncertain significance for Hereditary cancer-predisposing syndrome. Last evaluated: 2025-12-23. Review status: criteria provided, single submitter. Criteria: Ambry Variant Classification Scheme 2023. Collection method: clinical testing. Allele origin: germline.
Comment: The p.Y766H variant (also known as c.2296T>C), located in coding exon 15 of the PTCH1 gene, results from a T to C substitution at nucleotide position 2296. The tyrosine at codon 766 is replaced by histidine, an amino acid with similar properties. This amino acid position is conserved. In addition, this alteration is predicted to be deleterious by in silico analysis. Based on the available evidence, the clinical significance of this variant remains unclear.

NM_000264.5(PTCH1):c.2296T>C (p.Tyr766His)

Genes: PTCH1 (patched 1; minus strand), LOC100507346 (uncharacterized LOC100507346; plus strand). Cytogenetic location: 9q22.32.
Variant type: single nucleotide variant.
Coding change: c.2296T>C on transcript NM_000264.5 (MANE Select); coding-DNA position 2296, T replaced by C.
Protein change: p.Tyr766His; replaces tyrosine 766 with histidine.
Molecular consequence: missense variant. On other transcripts: non-coding transcript variant (1).
Genome position (GRCh38, 1-based): chr9:95,467,380, A>G on the plus strand (T>C on the coding strand, the complement: PTCH1 is on the minus strand). VCF-style: chr9-95467380-A-G. GRCh37 (hg19) VCF-style: chr9-98229662-A-G.
Other names: c.2098T>C, p.Tyr700His (NM_001083602.3); c.2293T>C, p.Tyr765His (NM_001083603.3); c.1843T>C, p.Tyr615His (NM_001083604.3, NM_001083605.3, NM_001083606.3 and 1 more transcripts); c.2140T>C, p.Tyr714His (NM_001354918.2); short protein forms Y700H, Y765H, Y714H, Y766H, Y615H.
Identifiers: ClinVar variation 4825105 (VCV004825105.1).